The following is an entry in ClinVar:

NM_012200.4(B3GAT3):c.36C>A (p.Tyr12Ter)

Gene: B3GAT3 (beta-1,3-glucuronyltransferase 3; minus strand). Cytogenetic location: 11q12.3.
Variant type: single nucleotide variant.
Coding change: c.36C>A on transcript NM_012200.4 (MANE Select); coding-DNA position 36, C replaced by A.
Protein change: p.Tyr12Ter; replaces tyrosine 12 with a stop codon.
Molecular consequence: nonsense. On other transcripts: non-coding transcript variant (1), 5 prime UTR variant (1).
Genome position (GRCh38, 1-based): chr11:62,621,912, G>T on the plus strand (C>A on the coding strand, the complement: B3GAT3 is on the minus strand). VCF-style: chr11-62621912-G-T. GRCh37 (hg19) VCF-style: chr11-62389384-G-T.
Other names: c.36C>A, p.Tyr12Ter (NM_001288723.2, NM_001288722.2); c.-225C>A (NM_001288721.2); short protein forms Y12*.
Identifiers: ClinVar variation 2797326 (VCV002797326.3), dbSNP rs2496258057, ClinGen allele CA380981966.
Genomic context (GRCh38, chr11:62,621,912, plus strand): 5'-CCCGCCCCGCTCACCGAGCTGTACCAGCGCGTAGAGGAGGCCGGCGATCGACACCAGGAA[G>T]TAGGCGAGAAACACGTTCTTCAGCTTCAGCTTCATGGCCGCGCCGCCGCCCGCGCCCGAG-3'

ClinVar aggregate classification (germline): Pathogenic (1 of 4 stars; one submission).

Conditions:
Larsen-like syndrome, B3GAT3 type. Also called: Multiple joint dislocations, short stature, craniofacial dysmorphism, with or without congenital heart defects; MULTIPLE JOINT DISLOCATIONS, SHORT STATURE, AND CRANIOFACIAL DYSMORPHISM WITH OR WITHOUT CONGENITAL HEART DEFECTS. Identifiers: Orphanet 284139, MedGen CN034159, MONDO:0009511, OMIM 245600.

Submission:

Labcorp Genetics (formerly Invitae), Labcorp
Classification: Pathogenic for Larsen-like syndrome, B3GAT3 type. Last evaluated: 2022-12-19. Review status: criteria provided, single submitter. Criteria: Invitae Variant Classification Sherloc (09022015). Collection method: clinical testing. Allele origin: germline.
Comment: For these reasons, this variant has been classified as Pathogenic. This variant has not been reported in the literature in individuals affected with B3GAT3-related conditions. This variant is not present in population databases (gnomAD no frequency). This sequence change creates a premature translational stop signal (p.Tyr12*) in the B3GAT3 gene. It is expected to result in an absent or disrupted protein product. Loss-of-function variants in B3GAT3 are known to be pathogenic (PMID: 25893793, 27871226).

Literature cited by the submitters: PubMed 25893793; PubMed 27871226.